The following is an entry in ClinVar:

ClinVar aggregate classification (germline): Uncertain significance (1 of 4 stars; one submission).

Conditions:
Primary ciliary dyskinesia. Also called: Ciliary dyskinesia. Identifiers: Orphanet 244, MedGen C0008780, MONDO:0016575, HP:0012265.

Submission:

Labcorp Genetics (formerly Invitae), Labcorp
Classification: Uncertain significance for Primary ciliary dyskinesia. Last evaluated: 2022-08-10. Review status: criteria provided, single submitter. Criteria: Invitae Variant Classification Sherloc (09022015). Collection method: clinical testing. Allele origin: germline.
Comment: This sequence change replaces glycine, which is neutral and non-polar, with glutamic acid, which is acidic and polar, at codon 522 of the CCDC40 protein (p.Gly522Glu). This variant is not present in population databases (gnomAD no frequency). This variant has not been reported in the literature in individuals affected with CCDC40-related conditions. ClinVar contains an entry for this variant (Variation ID: 1480921). Algorithms developed to predict the effect of missense changes on protein structure and function output the following: SIFT: "Tolerated"; PolyPhen-2: "Benign"; Align-GVGD: "Class C0". The glutamic acid amino acid residue is found in multiple mammalian species, which suggests that this missense change does not adversely affect protein function. In summary, the available evidence is currently insufficient to determine the role of this variant in disease. Therefore, it has been classified as a Variant of Uncertain Significance.

NM_017950.4(CCDC40):c.1565G>A (p.Gly522Glu)

Gene: CCDC40 (coiled-coil domain 40 molecular ruler complex subunit; plus strand). Cytogenetic location: 17q25.3.
Variant type: single nucleotide variant.
Coding change: c.1565G>A on transcript NM_017950.4 (MANE Select); coding-DNA position 1565, G replaced by A.
Protein change: p.Gly522Glu; replaces glycine 522 with glutamic acid.
Molecular consequence: missense variant.
Genome position (GRCh38, 1-based): chr17:80,081,548, G>A. VCF-style: chr17-80081548-G-A. GRCh37 (hg19) VCF-style: chr17-78055347-G-A.
Other names: c.1565G>A, p.Gly522Glu (NM_001243342.2); short protein forms G522E.
Identifiers: ClinVar variation 1480921 (VCV001480921.5), dbSNP rs947035837, ClinGen allele CA401335817.